The following is an entry in ClinVar:

ClinVar aggregate classification (germline): Likely pathogenic (1 of 4 stars; one submission).

Conditions:
Hearing loss, autosomal dominant 73. Also called: DEAFNESS, AUTOSOMAL DOMINANT 73. Identifiers: MedGen C4540024, MONDO:0033260, OMIM 617663.

gnomAD v4.1: 2 of 1,542,258 alleles (0.00013%); highest among the groups gnomAD compares: Non-Finnish European, 0.00018%; no homozygotes.

Submission:

MVZ Medizinische Genetik Mainz
Classification: Likely pathogenic for Hearing loss, autosomal dominant 73. Last evaluated: 2026-09-25. Review status: criteria provided, single submitter. Criteria: UK Practice Guidelines For Variant Classification V4 01 2020. Collection method: clinical testing. Allele origin: germline. Inheritance: Autosomal dominant inheritance. Affected: yes. Observed: 1 variant allele.
Comment: ACMG Criteria: PVS1,PM2_SUP

NM_001145026.2(PTPRQ):c.4627G>T (p.Glu1543Ter)

Gene: PTPRQ (protein tyrosine phosphatase receptor type Q; plus strand). Cytogenetic location: 12q21.31.
Variant type: single nucleotide variant.
Coding change: c.4627G>T on transcript NM_001145026.2 (MANE Select); coding-DNA position 4627, G replaced by T.
Protein change: p.Glu1543Ter; replaces glutamic acid 1543 with a stop codon.
Molecular consequence: nonsense.
Genome position (GRCh38, 1-based): chr12:80,605,076, G>T. VCF-style: chr12-80605076-G-T. GRCh37 (hg19) VCF-style: chr12-80998855-G-T.
Other names: short protein forms E1543*.
Identifiers: ClinVar variation 5038158 (VCV005038158.1).